The following is an entry in ClinVar:

NM_018671.5(UNC45A):c.1165G>A (p.Glu389Lys)

Gene: UNC45A (unc-45 myosin chaperone A; plus strand). Cytogenetic location: 15q26.1.
Variant type: single nucleotide variant.
Coding change: c.1165G>A on transcript NM_018671.5 (MANE Select); coding-DNA position 1165, G replaced by A.
Protein change: p.Glu389Lys; replaces glutamic acid 389 with lysine.
Molecular consequence: missense variant.
Genome position (GRCh38, 1-based): chr15:90,945,029, G>A. VCF-style: chr15-90945029-G-A. GRCh37 (hg19) VCF-style: chr15-91488259-G-A.
Other names: c.1120G>A, p.Glu374Lys (NM_001039675.2, NM_001323621.2); c.730G>A, p.Glu244Lys (NM_001323620.2); c.1165G>A (NM_018671.3); c.1165G>A, p.Glu389Lys (NM_001323619.1); short protein forms E374K, E244K, E389K.
Identifiers: ClinVar variation 721695 (VCV000721695.12), dbSNP rs569306063, ClinGen allele CA7742801.

ClinVar aggregate classification (germline): Conflicting classifications of pathogenicity. Review status: criteria provided, conflicting classifications (1 of 4 stars). 3 submissions from 3 submitters: Uncertain significance (1); Benign (1). 1 of the submissions does not count toward it. Last evaluated 2026-01-15.

Conditions:
Inborn genetic diseases. Identifiers: MedGen C0950123, MeSH D030342.
UNC45A-related disorder. Also called: UNC45A-related condition.

Allele frequency attached by ClinVar (database versions not stated): gnomAD 0.00001 and 0.00038; TOPMed 0.00008; gnomAD exomes 0.00057 and 0.00119; ExAC 0.00139; 1000 Genomes Project 30x 0.00281; 1000 Genomes Project 0.00339.
gnomAD v4.1: 908 of 1,613,030 alleles (0.056%); highest among the groups gnomAD compares: South Asian, 0.94%; 15 homozygotes.

Submissions (3):

Labcorp Genetics (formerly Invitae), Labcorp
Classification: Benign. Last evaluated: 2026-01-15. Review status: criteria provided, single submitter. Criteria: Invitae Variant Classification Sherloc (09022015). Collection method: clinical testing. Allele origin: germline.

Ambry Genetics
Classification: Uncertain significance for Inborn genetic diseases. Last evaluated: 2024-08-14. Review status: criteria provided, single submitter. Criteria: Ambry Variant Classification Scheme 2023. Collection method: clinical testing. Allele origin: germline.

PreventionGenetics, part of Exact Sciences
Classification: Likely benign for UNC45A-related condition. Last evaluated: 2019-04-25. Review status: no assertion criteria provided. Collection method: clinical testing. Allele origin: germline. Not counted in ClinVar's aggregate classification.
Comment: This variant is classified as likely benign based on ACMG/AMP sequence variant interpretation guidelines (Richards et al. 2015 PMID: 25741868, with internal and published modifications).